The following is an entry in ClinVar:

ClinVar aggregate classification (germline): Likely pathogenic. Review status: reviewed by expert panel (3 of 4 stars). 2 submissions from 2 submitters: Likely pathogenic (1). 1 of the submissions does not count toward it. Last evaluated 2026-08-28.

Conditions:
T-B+ severe combined immunodeficiency due to JAK3 deficiency. Also called: SCID, T CELL-NEGATIVE, B CELL-POSITIVE, NK CELL-NEGATIVE; SCID, autosomal recessive, T-negative/B-positive type. Identifiers: Orphanet 35078, MedGen C1833275, MONDO:0010938, OMIM 600802.

Submissions (2):

ClinGen Severe Combined Immunodeficiency Variant Curation Expert Panel, ClinGen
Classification: Likely pathogenic for T-B+ severe combined immunodeficiency due to JAK3 deficiency. Last evaluated: 2026-08-28. Review status: reviewed by expert panel. Criteria: ClinGen SCID ACMG Specifications JAK3 V2.3. Collection method: curation. Allele origin: germline. Inheritance: Autosomal recessive inheritance.
Comment: The NM_000215.4(JAK3): c.1701+1G>A variant results in a G-to-A substitution at the +1 position at the exon 12/intron 12 junction, disrupting the canonical splice donor site of intron 12. This is predicted to result in in-frame skipping of exon 12, which lies within the JH2 pseudokinase domain- a well-established, functionally critical region responsible for the autoinhibitory regulation of JAK3 kinase activity (PVS1_Strong; PMID: 10629052, 30076756). This variant is absent from the general population in gnomAD v4.1.1 (PM2_Supporting). At least one SCID patient (Clinvar submitter SCV003346292.4 ) underwent SCID panel/WES sequencing, which identified this JAK3 variant (1.0 point ). A total of 1.5 points were assigned, meeting the PP4 criterion. In summary, this variant meets the criteria to be classified as Likely Pathogenic for autosomal recessive severe combined immunodeficiency due to JAK3 deficiency based on the ACMG/AMP criteria applied, as specified by the ClinGen SCID VCEP: PVS1_Strong, PM2_Supporting, PP4 (VCEP specifications version 2.3.0).

Labcorp Genetics (formerly Invitae), Labcorp
Classification: Pathogenic for T-B+ severe combined immunodeficiency due to JAK3 deficiency. Last evaluated: 2023-12-18. Review status: criteria provided, single submitter. Criteria: Invitae Variant Classification Sherloc (09022015). Collection method: clinical testing. Allele origin: germline. Not counted in ClinVar's aggregate classification.
Comment: This sequence change affects a donor splice site in intron 12 of the JAK3 gene. It is expected to disrupt RNA splicing. Variants that disrupt the donor or acceptor splice site typically lead to a loss of protein function (PMID: 16199547), and loss-of-function variants in JAK3 are known to be pathogenic (PMID: 7481768, 11668621). This variant is not present in population databases (gnomAD no frequency). Disruption of this splice site has been observed in individual(s) with clinical features of severe combined immunodeficiency (Invitae). ClinVar contains an entry for this variant (Variation ID: 2131140). Algorithms developed to predict the effect of sequence changes on RNA splicing suggest that this variant may disrupt the consensus splice site. For these reasons, this variant has been classified as Pathogenic.

Literature cited by the submitters: PubMed 16199547 (cited by Labcorp Genetics (formerly Invitae), Labcorp); PubMed 7481768 (cited by Labcorp Genetics (formerly Invitae), Labcorp); PubMed 11668621 (cited by Labcorp Genetics (formerly Invitae), Labcorp).

NM_000215.4(JAK3):c.1701+1G>A

Gene: JAK3 (Janus kinase 3; minus strand). Cytogenetic location: 19p13.11.
Variant type: single nucleotide variant.
Coding change: c.1701+1G>A on transcript NM_000215.4 (MANE Select); the canonical splice donor site of the intron after coding-DNA position 1701, G replaced by A.
Molecular consequence: splice donor variant.
Genome position (GRCh38, 1-based): chr19:17,837,931, C>T on the plus strand (G>A on the coding strand, the complement: JAK3 is on the minus strand). VCF-style: chr19-17837931-C-T. GRCh37 (hg19) VCF-style: chr19-17948740-C-T.
Other names: NM_000215.4:c.1701+1G>A.
Identifiers: ClinVar variation 2131140 (VCV002131140.5), dbSNP rs2514561322, ClinGen allele CA404769256.
Genomic context (GRCh38, chr19:17,837,931, plus strand): 5'-CATCCACGACCCCCTCTCCAGCCAGCCCCGACTCCAAAAGTCTGGTCCACATTGCTCTCA[C>T]CTCCATGCAGTTCTTGTGCTTGGCATCCATGACCTTCAGCAGCACCTCTGTCTTTCGGGC-3'